The following is an entry in ClinVar:

NM_002474.3(MYH11):c.1608C>T (p.Asp536=)

Gene: MYH11 (myosin heavy chain 11; minus strand). Cytogenetic location: 16p13.11.
Variant type: single nucleotide variant.
Coding change: c.1608C>T on transcript NM_002474.3 (MANE Select); coding-DNA position 1608, C replaced by T.
Protein change: p.Asp536=; no amino-acid change (aspartic acid 536 retained).
Molecular consequence: synonymous variant.
Genome position (GRCh38, 1-based): chr16:15,756,482, G>A on the plus strand (C>T on the coding strand, the complement: MYH11 is on the minus strand). VCF-style: chr16-15756482-G-A. GRCh37 (hg19) VCF-style: chr16-15850339-G-A.
Other names: c.1629C>T, p.Asp543= (NM_001040113.2, NM_001040114.2); c.1608C>T, p.Asp536= (NM_022844.3).
Identifiers: ClinVar variation 626608 (VCV000626608.17), dbSNP rs374769912, ClinGen allele CA7922556.

ClinVar aggregate classification (germline): Benign/Likely benign. Review status: criteria provided, multiple submitters, no conflicts (2 of 4 stars). 7 submissions from 7 submitters: Benign (1); Likely benign (6). Last evaluated 2026-04-10.

Conditions:
Familial thoracic aortic aneurysm and aortic dissection (TAAD). Also called: Thoracic aortic aneurysms and dissections. Identifiers: Orphanet 91387, MedGen C4707243, MONDO:0019625.
Aortic aneurysm, familial thoracic 4 (AAT4). Also called: AORTIC ANEURYSM/AORTIC DISSECTION AND PATENT DUCTUS ARTERIOSUS. Identifiers: MedGen C1851504, MONDO:0007568, OMIM 132900.

Allele frequency attached by ClinVar (database versions not stated): gnomAD 0.00004; gnomAD exomes 0.00006 and 0.00007; TOPMed 0.00007; ExAC 0.00009; ESP Exome Variant Server 0.00015.
gnomAD v4.1: 108 of 1,614,036 alleles (0.0067%); highest among the groups gnomAD compares: Non-Finnish European, 0.008%; no homozygotes.

Submissions (7):

Women's Health and Genetics/Laboratory Corporation of America, LabCorp
Classification: Benign. Last evaluated: 2026-04-10. Review status: criteria provided, single submitter. Criteria: LabCorp Variant Classification Summary - May 2015. Collection method: clinical testing. Allele origin: germline.

Labcorp Genetics (formerly Invitae), Labcorp
Classification: Likely benign for Aortic aneurysm, familial thoracic 4. Last evaluated: 2025-11-12. Review status: criteria provided, single submitter. Criteria: Invitae Variant Classification Sherloc (09022015). Collection method: clinical testing. Allele origin: germline.

All of Us Research Program, National Institutes of Health
Classification: Likely benign for Familial thoracic aortic aneurysm and aortic dissection. Last evaluated: 2023-11-20. Review status: criteria provided, single submitter. Criteria: ACMG Guidelines, 2015. Collection method: clinical testing. Allele origin: germline. Inheritance: Autosomal dominant inheritance. Observed: 11 variant alleles, 11 heterozygotes.
Comment: This study involves interpretation of variants in research participants for the purpose of population health screening. Participant phenotype was not available at the time of variant classification. Additional details can be found in publication PMID: 35346344, PMCID: PMC8962531

Ambry Genetics
Classification: Likely benign for Familial thoracic aortic aneurysm and aortic dissection. Last evaluated: 2020-03-13. Review status: criteria provided, single submitter. Criteria: Ambry Variant Classification Scheme 2023. Collection method: clinical testing. Allele origin: germline.

Color Diagnostics, LLC DBA Color Health
Classification: Likely benign for Familial thoracic aortic aneurysm and aortic dissection. Last evaluated: 2019-04-08. Review status: criteria provided, single submitter. Criteria: ACMG Guidelines, 2015. Collection method: clinical testing. Allele origin: germline.

CHEO Genetics Diagnostic Laboratory, Children's Hospital of Eastern Ontario
Classification: Likely benign for Familial thoracic aortic aneurysm and aortic dissection. Last evaluated: 2016-07-22. Review status: criteria provided, single submitter. Criteria: ACMG Guidelines, 2015. Collection method: clinical testing. Allele origin: germline. Study: Canadian Open Genetics Repository.

Breakthrough Genomics
Classification: Likely benign. Review status: criteria provided, single submitter. Criteria: ACMG Guidelines, 2015. Collection method: not provided. Allele origin: germline. Inheritance: Autosomal recessive inheritance. Affected: yes.